The following is an entry in ClinVar:

NM_000083.3(CLCN1):c.409T>G (p.Tyr137Asp)

Gene: CLCN1 (chloride voltage-gated channel 1; plus strand). Cytogenetic location: 7q34.
Variant type: single nucleotide variant.
Coding change: c.409T>G on transcript NM_000083.3 (MANE Select); coding-DNA position 409, T replaced by G.
Protein change: p.Tyr137Asp; replaces tyrosine 137 with aspartic acid.
Molecular consequence: missense variant. On other transcripts: non-coding transcript variant (1).
Genome position (GRCh38, 1-based): chr7:143,320,771, T>G. VCF-style: chr7-143320771-T-G. GRCh37 (hg19) VCF-style: chr7-143017864-T-G.
Other names: short protein forms Y137D.
Identifiers: ClinVar variation 571653 (VCV000571653.17), dbSNP rs748639603, ClinGen allele CA4536926.

ClinVar aggregate classification (germline): Pathogenic/Likely pathogenic. Review status: criteria provided, multiple submitters, no conflicts (2 of 4 stars). 7 submissions from 7 submitters: Pathogenic (5); Likely pathogenic (1). 1 of the submissions does not count toward it. Last evaluated 2025-03-19.

Conditions:
CLCN1-related disorder. Also called: CLCN1-related condition.
Congenital myotonia, autosomal recessive form. Also called: BECKER DISEASE; Becker Generalized Myotonia; myotonia congenita, autosomal recessive. Identifiers: MONDO:0009715, OMIM 255700, Orphanet 614, MedGen C0751360.
Tip-toe gait. Also called: Toe walking. Identifiers: MedGen C0427144, HP:0030051.
Congenital myotonia, autosomal dominant form (THD). Also called: Myotonia congenita autosomal dominant; THOMSEN DISEASE. Identifiers: Orphanet 614, MedGen C2936781, MONDO:0008055, OMIM 160800.

Allele frequency attached by ClinVar (database versions not stated): ExAC 0.00001; gnomAD 0.00001; gnomAD exomes 0.00001; TOPMed 0.00002.
gnomAD v4.1: 20 of 1,613,934 alleles (0.0012%); highest among the groups gnomAD compares: Admixed American, 0.0017%; no homozygotes.

Submissions (7):

Variantyx, Inc.
Classification: Pathogenic for Congenital myotonia, autosomal recessive form. Last evaluated: 2025-03-19. Review status: criteria provided, single submitter. Criteria: Variantyx Assertion Criteria 2022. Collection method: clinical testing. Allele origin: germline. Inheritance: Autosomal recessive inheritance.
Comment: This is a nonsynonymous variant in the CLCN1 gene (OMIM: 118425).Pathogenic variants in the CLCN1 gene have been reported to cause autosomal recessive myotonia congenita. The maximum allelic frequency in the non-founder population is 0.0000167 (PM2). Multiple computational algorithms predict a deleterious effect for this variant (REVEL score: 0.85) (PP3) and published functional studies demonstrate a deleterious effect on channel function and impaired membrane trafficking (PMID:22094069, 26502825) (PS3). The variant has been reported in unrelated individuals suffering from myotonia (PMID:3173290, 22094069, 26502825) (PM3). Based on this evidence, the variant is classified as pathogenic for autosomal recessive myotonia congenita.

Blueprint Genetics
Classification: Pathogenic for CLCN1-related disorders. Last evaluated: 2024-10-15. Review status: criteria provided, single submitter. Criteria: ACMG Guidelines, 2015. Collection method: clinical testing. Allele origin: germline. Affected: yes. Observed: 5 variant alleles.

Fulgent Genetics
Classification: Likely pathogenic for Congenital myotonia, autosomal dominant form; Congenital myotonia, autosomal recessive form. Last evaluated: 2024-06-01. Review status: criteria provided, single submitter. Criteria: ACMG Guidelines, 2015. Collection method: clinical testing. Allele origin: germline.

Labcorp Genetics (formerly Invitae), Labcorp
Classification: Pathogenic for Congenital myotonia, autosomal recessive form; Congenital myotonia, autosomal dominant form. Last evaluated: 2024-05-12. Review status: criteria provided, single submitter. Criteria: Invitae Variant Classification Sherloc (09022015). Collection method: clinical testing. Allele origin: germline.
Comment: This sequence change replaces tyrosine, which is neutral and polar, with aspartic acid, which is acidic and polar, at codon 137 of the CLCN1 protein (p.Tyr137Asp). This variant is present in population databases (rs748639603, gnomAD 0.003%). This missense change has been observed in individuals with autosomal recessive myotonia congenita (PMID: 22094069, 26502825). ClinVar contains an entry for this variant (Variation ID: 571653). Advanced modeling of protein sequence and biophysical properties (such as structural, functional, and spatial information, amino acid conservation, physicochemical variation, residue mobility, and thermodynamic stability) performed at Invitae indicates that this missense variant is expected to disrupt CLCN1 protein function with a positive predictive value of 95%. Experimental studies have shown that this missense change affects CLCN1 function (PMID: 22094069, 26502825). For these reasons, this variant has been classified as Pathogenic.

Athena Diagnostics
Classification: Pathogenic. Last evaluated: 2022-03-29. Review status: criteria provided, single submitter. Criteria: Athena Diagnostics Criteria. Collection method: clinical testing. Allele origin: unknown.
Comment: The frequency of this variant in the general population is consistent with pathogenicity. This variant has been reported in multiple families with autosomal recessive myotonia congenita (PMID: 22094069, 26502825). Assessment of experimental evidence suggests this variant results in abnormal protein function. This variant results in altered channel activity (PMID: 22094069, 26502825).

GeneDx
Classification: Pathogenic. Last evaluated: 2021-03-02. Review status: criteria provided, single submitter. Criteria: GeneDx Variant Classification Process June 2021. Collection method: clinical testing. Allele origin: germline. Affected: yes.
Comment: Published functional studies demonstrate a damaging effect with a deleterious effect on channel function and impaired membrane trafficking (Mazon et al., 2012; Ronstedt et al., 2015); In silico analysis supports that this missense variant has a deleterious effect on protein structure/function; Not observed at a significant frequency in large population cohorts (Lek et al., 2016); This variant is associated with the following publications: (PMID: 32117034, 22094069, 23152584, 26502825, 32670189, 31589614, 32528171, 31732390)

Practice for Gait Abnormalities, David Pomarino, Competency Network Toe Walking C/o Practice Pomarino
Classification: Likely pathogenic for Tip-toe gait. Last evaluated: 2021-09-20. Review status: no assertion criteria provided. Collection method: clinical testing. Allele origin: germline. Affected: yes. Not counted in ClinVar's aggregate classification.
Comment: Myopathy refers to diseases that affect skeletal Muscles. These diseases attack muscle fibers, making muscles weak. Inherited myopathies are often caused by inheriting an abnormal gene mutation from a parent that causes the disease. Symptoms of congenital myopathies usually start at birth or in early childhood, but may not appear until the teen years or even later in adulthood. Congenital myopathies are somewhat unique compared with other inherited myopathies, as weakness typically affects all muscles and is often not progressive. Symptoms are: Muscle weakness, most commonly of upper arms and shoulders and thighs, muscle cramps, stiffness and spasms, fatigue with exertion and lack of energy. Our patients all walk on tiptoe, so they show similar symptoms. When we genetically test them with our toe walking panel, we find that around 90 per cent of them have a genetic variant that explains their toe walking. These can be assigned, for example, to the area of myopathies (such as variants of the COL6A3 gene), the area of hereditary neuropathies (such as variants of the KMT2C gene) or the area of metabolic diseases (such as variants of the PYGM gene). In a smaller group of patients with almost identical symptoms, no abnormality is found in the genes of our panel, but spastic paraplegia can be detected. In another small group of our toe walkers, no abnormalities can be detected in the genes analysed in our toe walking panel, nor do they suffer from spastic paraplegia, as is also the case with healthy children. In contrast to these, however, they show a tiptoe gait. These patients suffer from infantile cerebral palsy, in which toe walking can also be observed.

Literature cited by the submitters: PubMed 22094069 (cited by 3 submitters); PubMed 26502825 (cited by 3 submitters); PubMed 3173290 (cited by Variantyx, Inc.); PubMed 31589614 (cited by Athena Diagnostics); PubMed 32670189 (cited by Athena Diagnostics); PubMed 32528171 (cited by Athena Diagnostics); PubMed 31732390 (cited by Athena Diagnostics); PubMed 37091313 (cited by Practice for Gait Abnormalities, David Pomarino, Competency Network Toe Walking C/o Practice Pomarino).